The following is an entry in ClinVar:

ClinVar aggregate classification (germline): Uncertain significance. Review status: criteria provided, multiple submitters, no conflicts (2 of 4 stars). 2 submissions from 2 submitters: Uncertain significance (2). Last evaluated 2025-06-10.

Conditions:
Immunodeficiency. Identifiers: MedGen C0021051, MONDO:0021094, HP:0002721.

Submissions (2):

Ambry Genetics
Classification: Uncertain significance. Last evaluated: 2025-06-10. Review status: criteria provided, single submitter. Criteria: Ambry Variant Classification Scheme 2023. Collection method: clinical testing. Allele origin: germline.

Labcorp Genetics (formerly Invitae), Labcorp
Classification: Uncertain significance for Immunodeficiency. Last evaluated: 2023-07-07. Review status: criteria provided, single submitter. Criteria: Invitae Variant Classification Sherloc (09022015). Collection method: clinical testing. Allele origin: germline.
Comment: This sequence change replaces serine, which is neutral and polar, with phenylalanine, which is neutral and non-polar, at codon 1015 of the NFAT5 protein (p.Ser1015Phe). This variant is not present in population databases (gnomAD no frequency). This variant has not been reported in the literature in individuals affected with NFAT5-related conditions. ClinVar contains an entry for this variant (Variation ID: 2419587). An algorithm developed to predict the effect of missense changes on protein structure and function (PolyPhen-2) suggests that this variant is likely to be disruptive. In summary, the available evidence is currently insufficient to determine the role of this variant in disease. Therefore, it has been classified as a Variant of Uncertain Significance.

NM_138713.4(NFAT5):c.3326C>T (p.Ser1109Phe)

Gene: NFAT5 (nuclear factor of activated T cells 5; plus strand). Cytogenetic location: 16q22.1.
Variant type: single nucleotide variant.
Coding change: c.3326C>T on transcript NM_138713.4 (MANE Select); coding-DNA position 3326, C replaced by T.
Protein change: p.Ser1109Phe; replaces serine 1109 with phenylalanine.
Molecular consequence: missense variant.
Genome position (GRCh38, 1-based): chr16:69,693,151, C>T. VCF-style: chr16-69693151-C-T. GRCh37 (hg19) VCF-style: chr16-69727054-C-T.
Other names: c.3323C>T, p.Ser1108Phe (NM_001113178.3); c.2651C>T, p.Ser884Phe (NM_001367709.1); c.3272C>T, p.Ser1091Phe (NM_006599.4); c.3044C>T, p.Ser1015Phe (NM_138714.4, NM_173214.3, NM_173215.3); c.3326C>T (NM_138713.3); short protein forms S1015F, S1091F, S1108F, S1109F, S884F.
Identifiers: ClinVar variation 2419587 (VCV002419587.7), dbSNP rs2544244297, ClinGen allele CA396512768.